The following is an entry in ClinVar:

NM_016492.5(RANGRF):c.-2C>T

Genes: SLC25A35 (solute carrier family 25 member 35; minus strand), RANGRF (RAN guanine nucleotide release factor; plus strand). Cytogenetic location: 17p13.1.
Variant type: single nucleotide variant.
Coding change: c.-2C>T on transcript NM_016492.5 (MANE Select); 2 bases upstream of the start codon, C replaced by T.
Molecular consequence: 5 prime UTR variant. On other transcripts: 3 prime UTR variant (1), non-coding transcript variant (1), intron variant (1).
Genome position (GRCh38, 1-based): chr17:8,288,787, C>T. VCF-style: chr17-8288787-C-T. GRCh37 (hg19) VCF-style: chr17-8192105-C-T.
Other names: c.-2C>T (NM_001177801.2, NM_001177802.2, NM_001330127.2); c.*829G>A (NM_201520.3); c.*43-355G>A (NM_001320871.2).
Identifiers: ClinVar variation 1710728 (VCV001710728.3), dbSNP rs141507740, ClinGen allele CA8374275.

ClinVar aggregate classification (germline): Likely benign (1 of 4 stars; one submission).

Allele frequency attached by ClinVar (database versions not stated): ExAC 0.00008; ESP Exome Variant Server 0.00038; TOPMed 0.00029; gnomAD 0.00030.
gnomAD v4.1: 76 of 1,613,940 alleles (0.0047%); highest among the groups gnomAD compares: African/African-American, 0.08%; no homozygotes.

Submission:

GeneDx
Classification: Likely benign. Last evaluated: 2022-10-24. Review status: criteria provided, single submitter. Criteria: GeneDx Variant Classification Process June 2021. Collection method: clinical testing. Allele origin: germline. Affected: yes.
Comment: See Variant Classification Assertion Criteria.